The following is an entry in ClinVar:

ClinVar aggregate classification (germline): Uncertain significance (1 of 4 stars; one submission).

Conditions:
Tuberous sclerosis 2 (TSC2). Identifiers: Orphanet 805, MedGen C1860707, MONDO:0013199, OMIM 613254.

Submission:

Labcorp Genetics (formerly Invitae), Labcorp
Classification: Uncertain significance for Tuberous sclerosis 2. Last evaluated: 2022-02-08. Review status: criteria provided, single submitter. Criteria: Invitae Variant Classification Sherloc (09022015). Collection method: clinical testing. Allele origin: germline.
Comment: In summary, the available evidence is currently insufficient to determine the role of this variant in disease. Therefore, it has been classified as a Variant of Uncertain Significance. Advanced modeling of protein sequence and biophysical properties (such as structural, functional, and spatial information, amino acid conservation, physicochemical variation, residue mobility, and thermodynamic stability) performed at Invitae indicates that this missense variant is not expected to disrupt TSC2 protein function. ClinVar contains an entry for this variant (Variation ID: 836131). This variant has not been reported in the literature in individuals affected with TSC2-related conditions. This variant is not present in population databases (gnomAD no frequency). This sequence change replaces histidine, which is basic and polar, with aspartic acid, which is acidic and polar, at codon 495 of the TSC2 protein (p.His495Asp).

NM_000548.5(TSC2):c.1483C>G (p.His495Asp)

Gene: TSC2 (TSC complex subunit 2; plus strand). Cytogenetic location: 16p13.3.
Variant type: single nucleotide variant.
Coding change: c.1483C>G on transcript NM_000548.5 (MANE Select); coding-DNA position 1483, C replaced by G.
Protein change: p.His495Asp; replaces histidine 495 with aspartic acid.
Molecular consequence: missense variant.
Genome position (GRCh38, 1-based): chr16:2,064,311, C>G. VCF-style: chr16-2064311-C-G. GRCh37 (hg19) VCF-style: chr16-2114312-C-G.
Other names: c.1483C>G, p.His495Asp (NM_001077183.3, NM_001114382.3, NM_001363528.2 and 3 more transcripts); c.1372C>G, p.His458Asp (NM_001318827.2); c.1336C>G, p.His446Asp (NM_001318829.2); c.883C>G, p.His295Asp (NM_001318831.2); c.1516C>G, p.His506Asp (NM_001318832.2); short protein forms H295D, H446D, H495D, H458D, H506D.
Identifiers: ClinVar variation 836131 (VCV000836131.9), dbSNP rs2087013241, ClinGen allele CA394325872.